The following is an entry in ClinVar:

NM_004453.4(ETFDH):c.1814T>C (p.Val605Ala)

Gene: ETFDH (electron transfer flavoprotein dehydrogenase; plus strand). Cytogenetic location: 4q32.1.
Variant type: single nucleotide variant.
Coding change: c.1814T>C on transcript NM_004453.4 (MANE Select); coding-DNA position 1814, T replaced by C.
Protein change: p.Val605Ala; replaces valine 605 with alanine.
Molecular consequence: missense variant.
Genome position (GRCh38, 1-based): chr4:158,708,487, T>C. VCF-style: chr4-158708487-T-C. GRCh37 (hg19) VCF-style: chr4-159629639-T-C.
Other names: c.1673T>C, p.Val558Ala (NM_001281737.2); c.1631T>C, p.Val544Ala (NM_001281738.1); short protein forms V544A, V558A, V605A.
Identifiers: ClinVar variation 1311375 (VCV001311375.2), dbSNP rs374395019, ClinGen allele CA3122730.

ClinVar aggregate classification (germline): Uncertain significance (1 of 4 stars; one submission).

Allele frequency attached by ClinVar (database versions not stated): ExAC 0.00001; gnomAD 0.00001; gnomAD exomes 0.00001 and 0.00003; TOPMed 0.00002; ESP Exome Variant Server 0.00008.

Submission:

GeneDx
Classification: Uncertain significance. Last evaluated: 2019-12-24. Review status: criteria provided, single submitter. Criteria: GeneDx Variant Classification Process June 2021. Collection method: clinical testing. Allele origin: germline. Affected: yes.
Comment: Not observed at a significant frequency in large population cohorts (Lek et al., 2016); The majority of missense variants in this gene are considered pathogenic (Stenson et al., 2014); In silico analysis, which includes protein predictors and evolutionary conservation, supports that this variant does not alter protein structure/function; Has not been previously published as pathogenic or benign to our knowledge